The following is an entry in ClinVar:

ClinVar aggregate classification (germline): Likely benign. Review status: criteria provided, single submitter (1 of 4 stars). 2 submissions from 2 submitters: Likely benign (1). 1 of the submissions does not count toward it. Last evaluated 2025-10-08.

Conditions:
Dystonia 5 (DRD). Also called: Dystonia, DOPA-responsive, with or without hyperphenylalaninemia; DYT-GCH1; GTP Cyclohydrolase 1-Deficient Dopa-Responsive Dystonia; DYSTONIA, PROGRESSIVE, WITH DIURNAL VARIATION; DYSTONIA-PARKINSONISM WITH DIURNAL FLUCTUATION. Identifiers: Orphanet 98808, MedGen C1851920, MONDO:0007495, OMIM 128230.
GTP cyclohydrolase I deficiency. Identifiers: MedGen C0268467, MONDO:0100184.
GCH1-related disorder. Also called: GCH1-related condition.

Allele frequency attached by ClinVar (database versions not stated): gnomAD 0.00001; TOPMed 0.00004.
gnomAD v4.1: 5 of 1,611,246 alleles (0.00031%); highest among the groups gnomAD compares: Admixed American, 0.0017%; no homozygotes.

Submissions (2):

Labcorp Genetics (formerly Invitae), Labcorp
Classification: Likely benign for GTP cyclohydrolase I deficiency; Dystonia 5. Last evaluated: 2025-10-08. Review status: criteria provided, single submitter. Criteria: Invitae Variant Classification Sherloc (09022015). Collection method: clinical testing. Allele origin: germline.

PreventionGenetics, part of Exact Sciences
Classification: Likely benign for GCH1-related condition. Last evaluated: 2019-05-30. Review status: no assertion criteria provided. Collection method: clinical testing. Allele origin: germline. Not counted in ClinVar's aggregate classification.
Comment: This variant is classified as likely benign based on ACMG/AMP sequence variant interpretation guidelines (Richards et al. 2015 PMID: 25741868, with internal and published modifications).

NM_000161.3(GCH1):c.343+9G>C

Gene: GCH1 (GTP cyclohydrolase 1; minus strand). Cytogenetic location: 14q22.2.
Variant type: single nucleotide variant.
Coding change: c.343+9G>C on transcript NM_000161.3 (MANE Select); 9 bases into the intron after coding-DNA position 343, G replaced by C.
Molecular consequence: intron variant.
Genome position (GRCh38, 1-based): chr14:54,902,312, C>G on the plus strand (G>C on the coding strand, the complement: GCH1 is on the minus strand). VCF-style: chr14-54902312-C-G. GRCh37 (hg19) VCF-style: chr14-55369030-C-G.
Other names: c.343+9G>C (NM_000161.2, NM_001024071.2, NM_001024070.2 and 1 more transcripts).
Identifiers: ClinVar variation 2161610 (VCV002161610.6), dbSNP rs1340383628, ClinGen allele CA706942406.